The following is an entry in ClinVar:

ClinVar aggregate classification (germline): Uncertain significance (1 of 4 stars; one submission).

Conditions:
Multiple endocrine neoplasia, type 2 (MEN2). Identifiers: Orphanet 653, MedGen C4048306, MONDO:0019003. Disease mechanism: gain of function.

Submission:

Labcorp Genetics (formerly Invitae), Labcorp
Classification: Uncertain significance for Multiple endocrine neoplasia, type 2. Last evaluated: 2024-01-24. Review status: criteria provided, single submitter. Criteria: Invitae Variant Classification Sherloc (09022015). Collection method: clinical testing. Allele origin: unknown.
Comment: This variant results in a copy number gain of the genomic region encompassing exon(s) 14-20 of the RET gene. This region includes the termination codon of the gene. This copy number gain extends beyond the assayed region for this gene and therefore may encompass additional genes. As the precise location of this event is unknown, it may be in tandem or it may be located elsewhere in the genome. This variant has not been reported in the literature in individuals affected with RET-related conditions. Experimental studies and prediction algorithms are not available or were not evaluated, and the functional significance of this variant is currently unknown. In summary, the available evidence is currently insufficient to determine the role of this variant in disease. Therefore, it has been classified as a Variant of Uncertain Significance.

NC_000010.10:g.(?_43614959)_(43623717_?)dup

Gene: RET (ret proto-oncogene; plus strand). Cytogenetic location: 10q11.21.
Variant type: Duplication.
Identifiers: ClinVar variation 3244917 (VCV003244917.1).